The following is an entry in ClinVar:

ClinVar aggregate classification (germline): Likely pathogenic. Review status: criteria provided, multiple submitters, no conflicts (2 of 4 stars). 2 submissions from 2 submitters: Likely pathogenic (2). Last evaluated 2023-07-16.

Conditions:
Marfan syndrome (MFS). Also called: MARFAN SYNDROME, TYPE I; Marfan syndrome type 1; Marfan's syndrome; Marfan syndrome, classic; FBN1-Related Marfan Syndrome. Identifiers: Orphanet 284963, Orphanet 558, MedGen C0024796, MONDO:0007947, OMIM 154700.
Familial thoracic aortic aneurysm and aortic dissection (TAAD). Also called: Thoracic aortic aneurysms and dissections. Identifiers: Orphanet 91387, MedGen C4707243, MONDO:0019625.

Allele frequency attached by ClinVar (database versions not stated): gnomAD exomes below 0.00001.
gnomAD v4.1: 1 of 1,613,800 alleles (0.000062%); highest among the groups gnomAD compares: Non-Finnish European, 0.000085%; no homozygotes.

Submissions (2):

Victorian Clinical Genetics Services, Murdoch Childrens Research Institute
Classification: Likely pathogenic for Marfan syndrome. Last evaluated: 2023-07-16. Review status: criteria provided, single submitter. Criteria: ACMG Guidelines, 2015. Collection method: clinical testing. Allele origin: germline. Inheritance: Autosomal dominant inheritance. Affected: yes.
Comment: Based on the classification scheme VCGS_Germline_v1.3.4, this variant is classified as Likely pathogenic. Following criteria are met: 0103 - Dominant negative and loss of function are known mechanisms of disease in this gene and are associated with FBN1-related disease. Variants predicted to result in nonsense mediated decay cause loss of function effects, and are more commonly associated with severe Marfan syndrome. Missense with both dominant negative and loss of function effects on protein function, are also associated with causing Marfan syndrome and ectopia lentis (OMIM, PMID: 29357934). The exact genotype-phenotype correlation for this gene is still unclear, and compounded by variable expressivity (PMID: 20301510). (I) 0107 - This gene is predominantly associated with autosomal dominant disease; autosomal recessive forms of Marfan syndrome have rarely been reported (PMID: 27274304; 31950671). 0115 - Variants in this gene are known to have variable expressivity. The genotype-phenotype correlations for this gene are unclear, with single variants reported in patients with a range of phenotypes (PMID: 20301510, OMIM). (I) 0200 - Variant is predicted to result in a missense amino acid change from asparagine to lysine. (I) 0251 - This variant is heterozygous. (I) 0301 - Variant is absent from gnomAD (both v2 and v3). (SP) 0501 - Missense variant consistently predicted to be damaging by multiple in silico tools and very highly conserved with a moderate amino acid change. (SP) 0600 - Variant is located in the annotated calcium-binding EGF domain (DECIPHER). (I) 0704 - Another missense variant comparable to the one identified in this case has limited previous evidence for pathogenicity. The p.(Asn741Ser) variant has been identified in two related individuals with a clinical diagnosis of Marfan syndrome. Their phenotypic characteristics included ectopic lentis, bicuspid aortic valve, mild aortic dilatation and/or mitral valve prolapse (PMID: 29357934). (SP) 0807 - This variant has no previous evidence of pathogenicity. (I) 0905 - No published segregation evidence has been identified for this variant. (I) 1007 - No published functional evidence has been identified for this variant. (I) 1102 - Strong phenotype match for this individual. (SP) 1208 - Inheritance information for this variant is not currently available in this individual. (I) Legend: (SP) - Supporting pathogenic, (I) - Information, (SB) - Supporting benign

Labcorp Genetics (formerly Invitae), Labcorp
Classification: Likely pathogenic for Marfan syndrome; Familial thoracic aortic aneurysm and aortic dissection. Last evaluated: 2023-01-31. Review status: criteria provided, single submitter. Criteria: Invitae Variant Classification Sherloc (09022015). Collection method: clinical testing. Allele origin: germline.
Comment: This sequence change replaces asparagine, which is neutral and polar, with lysine, which is basic and polar, at codon 741 of the FBN1 protein (p.Asn741Lys). This variant is not present in population databases (gnomAD no frequency). This variant has not been reported in the literature in individuals affected with FBN1-related conditions. Advanced modeling of protein sequence and biophysical properties (such as structural, functional, and spatial information, amino acid conservation, physicochemical variation, residue mobility, and thermodynamic stability) performed at Invitae indicates that this missense variant is expected to disrupt FBN1 protein function. This variant disrupts the p.Asn741 amino acid residue in FBN1. Other variant(s) that disrupt this residue have been determined to be pathogenic (PMID: 29357934; Invitae). This suggests that this residue is clinically significant, and that variants that disrupt this residue are likely to be disease-causing. In summary, the currently available evidence indicates that the variant is pathogenic, but additional data are needed to prove that conclusively. Therefore, this variant has been classified as Likely Pathogenic.

Literature cited by the submitters: NCBI Bookshelf NBK1335 (cited by Victorian Clinical Genetics Services, Murdoch Childrens Research Institute); PubMed 20301510 (cited by Victorian Clinical Genetics Services, Murdoch Childrens Research Institute); PubMed 27274304 (cited by Victorian Clinical Genetics Services, Murdoch Childrens Research Institute); PubMed 29357934 (cited by Victorian Clinical Genetics Services, Murdoch Childrens Research Institute and Labcorp Genetics (formerly Invitae), Labcorp); PubMed 31950671 (cited by Victorian Clinical Genetics Services, Murdoch Childrens Research Institute).

NM_000138.5(FBN1):c.2223C>A (p.Asn741Lys)

Gene: FBN1 (fibrillin 1; minus strand). Cytogenetic location: 15q21.1.
Variant type: single nucleotide variant.
Coding change: c.2223C>A on transcript NM_000138.5 (MANE Select); coding-DNA position 2223, C replaced by A.
Protein change: p.Asn741Lys; replaces asparagine 741 with lysine.
Molecular consequence: missense variant.
Genome position (GRCh38, 1-based): chr15:48,497,336, G>T on the plus strand (C>A on the coding strand, the complement: FBN1 is on the minus strand). VCF-style: chr15-48497336-G-T. GRCh37 (hg19) VCF-style: chr15-48789533-G-T.
Other names: c.2223C>A, p.Asn741Lys (NM_001406716.1); short protein forms N741K.
Identifiers: ClinVar variation 2943749 (VCV002943749.4), dbSNP rs2505576288, ClinGen allele CA392335731.
Genomic context (GRCh38, chr15:48,497,336, plus strand): 5'-TTTCCCAGTTGAATCCACTTCATATCCTGAATTGCATATACATTTATAGGTCCCACGAAG[G>T]TTTTCACAGATTCCATTTGGGCAAATATCAGGATCTAGTGCACATTCATTTATATCTGCA-3'
Protein context (NP_000129.3, residues 731-751): PDICPNGICE[Asn741Lys]LRGTYKCICN